The following is an entry in ClinVar:

ClinVar aggregate classification (germline): Uncertain significance. Review status: criteria provided, multiple submitters, no conflicts (2 of 4 stars). 2 submissions from 2 submitters: Uncertain significance (2). Last evaluated 2024-12-11.

Conditions:
Mitochondrial DNA depletion syndrome 9 (MTDPS9). Also called: SUCLG1-Related Mitochondrial DNA Depletion Syndrome, Encephalomyopathic Form with Methylmalonic Aciduria. Identifiers: Orphanet 17, MedGen C3151476, MONDO:0009504, OMIM 245400.

gnomAD v4.1: 3 of 1,613,948 alleles (0.00019%); highest among the groups gnomAD compares: African/African-American, 0.004%; no homozygotes.

Submissions (2):

Labcorp Genetics (formerly Invitae), Labcorp
Classification: Uncertain significance for Mitochondrial DNA depletion syndrome 9. Last evaluated: 2024-12-11. Review status: criteria provided, single submitter. Criteria: Invitae Variant Classification Sherloc (09022015). Collection method: clinical testing. Allele origin: germline.
Comment: This sequence change replaces isoleucine, which is neutral and non-polar, with threonine, which is neutral and polar, at codon 255 of the SUCLG1 protein (p.Ile255Thr). This variant is not present in population databases (gnomAD no frequency). This variant has not been reported in the literature in individuals affected with SUCLG1-related conditions. Invitae Evidence Modeling of protein sequence and biophysical properties (such as structural, functional, and spatial information, amino acid conservation, physicochemical variation, residue mobility, and thermodynamic stability) has been performed for this missense variant. However, the output from this modeling did not meet the statistical confidence thresholds required to predict the impact of this variant on SUCLG1 protein function. In summary, the available evidence is currently insufficient to determine the role of this variant in disease. Therefore, it has been classified as a Variant of Uncertain Significance.

Mayo Clinic Laboratories, Mayo Clinic
Classification: Uncertain significance. Last evaluated: 2024-02-16. Review status: criteria provided, single submitter. Criteria: ACMG Guidelines, 2015. Collection method: clinical testing. Allele origin: germline. Observed: 1 variant allele.
Comment: PP3, PM2

NM_003849.4(SUCLG1):c.764T>C (p.Ile255Thr)

Gene: SUCLG1 (succinate-CoA ligase GDP/ADP-forming subunit alpha; minus strand). Cytogenetic location: 2p11.2.
Variant type: single nucleotide variant.
Coding change: c.764T>C on transcript NM_003849.4 (MANE Select); coding-DNA position 764, T replaced by C.
Protein change: p.Ile255Thr; replaces isoleucine 255 with threonine.
Molecular consequence: missense variant.
Genome position (GRCh38, 1-based): chr2:84,431,569, A>G on the plus strand (T>C on the coding strand, the complement: SUCLG1 is on the minus strand). VCF-style: chr2-84431569-A-G. GRCh37 (hg19) VCF-style: chr2-84658693-A-G.
Other names: p.Ile255Thr; short protein forms I255T.
Identifiers: ClinVar variation 3380826 (VCV003380826.2).